The following is an entry in ClinVar:

ClinVar aggregate classification (germline): Uncertain significance (1 of 4 stars; one submission).

Conditions:
Cystic fibrosis (CF). Also called: MUCOVISCIDOSIS. Identifiers: Orphanet 586, MedGen C0010674, MONDO:0009061, OMIM 219700. Disease mechanism: loss of function.

Submission:

Ambry Genetics
Classification: Uncertain significance for Cystic fibrosis. Last evaluated: 2021-12-21. Review status: criteria provided, single submitter. Criteria: Ambry Variant Classification Scheme 2023. Collection method: clinical testing. Allele origin: germline.
Comment: The p.A326S variant (also known as c.976G>T), located in coding exon 8 of the CFTR gene, results from a G to T substitution at nucleotide position 976. The alanine at codon 326 is replaced by serine, an amino acid with similar properties. This amino acid position is conserved. In addition, the in silico prediction for this alteration is inconclusive. Since supporting evidence is limited at this time, the clinical significance of this alteration remains unclear.

NM_000492.4(CFTR):c.976G>T (p.Ala326Ser)

Gene: CFTR (CF transmembrane conductance regulator; plus strand). Cytogenetic location: 7q31.2.
Variant type: single nucleotide variant.
Coding change: c.976G>T on transcript NM_000492.4 (MANE Select); coding-DNA position 976, G replaced by T.
Protein change: p.Ala326Ser; replaces alanine 326 with serine.
Molecular consequence: missense variant.
Genome position (GRCh38, 1-based): chr7:117,540,206, G>T. VCF-style: chr7-117540206-G-T. GRCh37 (hg19) VCF-style: chr7-117180260-G-T.
Other names: short protein forms A326S.
Identifiers: ClinVar variation 1768143 (VCV001768143.2), dbSNP rs2485026720, ClinGen allele CA368978591.